The following is an entry in ClinVar:

ClinVar aggregate classification (germline): Uncertain significance (1 of 4 stars; one submission).

Conditions:
Developmental and epileptic encephalopathy, 42 (DEE42A). Also called: DEVELOPMENTAL AND EPILEPTIC ENCEPHALOPATHY 42A; EPILEPTIC ENCEPHALOPATHY, EARLY INFANTILE, 42A; Epileptic encephalopathy, early infantile, 42. Identifiers: MedGen C4310716, MONDO:0014917, OMIM 617106.
Episodic ataxia type 2 (EA2). Also called: EPISODIC ATAXIA, NYSTAGMUS-ASSOCIATED; ACETAZOLAMIDE-RESPONSIVE HEREDITARY PAROXYSMAL CEREBELLAR ATAXIA; ATAXIA, EPISODIC, WITH NYSTAGMUS; ATAXIA, FAMILIAL PAROXYSMAL; CEREBELLAR ATAXIA, PAROXYSMAL, ACETAZOLAMIDE-RESPONSIVE; CEREBELLOPATHY, HEREDITARY PAROXYSMAL. Identifiers: Orphanet 97, MedGen C1720416, MONDO:0007163, OMIM 108500.

Submission:

Labcorp Genetics (formerly Invitae), Labcorp
Classification: Uncertain significance for Developmental and epileptic encephalopathy, 42; Episodic ataxia type 2. Last evaluated: 2020-09-17. Review status: criteria provided, single submitter. Criteria: Invitae Variant Classification Sherloc (09022015). Collection method: clinical testing. Allele origin: germline.
Comment: This variant has not been reported in the literature in individuals with CACNA1A-related conditions. Advanced modeling of protein sequence and biophysical properties (such as structural, functional, and spatial information, amino acid conservation, physicochemical variation, residue mobility, and thermodynamic stability) performed at Invitae indicates that this missense variant is expected to disrupt CACNA1A protein function. In summary, the available evidence is currently insufficient to determine the role of this variant in disease. Therefore, it has been classified as a Variant of Uncertain Significance. This sequence change replaces glycine with alanine at codon 2201 of the CACNA1A protein (p.Gly2201Ala). The glycine residue is moderately conserved and there is a small physicochemical difference between glycine and alanine. This variant is not present in population databases (ExAC no frequency).

NM_001127222.2(CACNA1A):c.6599G>C (p.Gly2200Ala)

Gene: CACNA1A (calcium voltage-gated channel subunit alpha1 A; minus strand). Cytogenetic location: 19p13.13.
Variant type: single nucleotide variant.
Coding change: c.6599G>C on transcript NM_001127222.2 (MANE Select); coding-DNA position 6599, G replaced by C.
Protein change: p.Gly2200Ala; replaces glycine 2200 with alanine.
Molecular consequence: missense variant.
Genome position (GRCh38, 1-based): chr19:13,208,937, C>G on the plus strand (G>C on the coding strand, the complement: CACNA1A is on the minus strand). VCF-style: chr19-13208937-C-G. GRCh37 (hg19) VCF-style: chr19-13319751-C-G.
Other names: c.6617G>C, p.Gly2206Ala (NM_000068.4, NM_023035.3); c.6602G>C, p.Gly2201Ala (NM_001127221.2); c.6608G>C, p.Gly2203Ala (NM_001174080.2); short protein forms G2200A, G2201A, G2203A, G2206A.
Identifiers: ClinVar variation 1061276 (VCV001061276.9), dbSNP rs1163864338, ClinGen allele CA404330544.